The following is an entry in ClinVar:

ClinVar aggregate classification (germline): Pathogenic. Review status: reviewed by expert panel (3 of 4 stars). 2 submissions from 2 submitters: Pathogenic (1). 1 of the submissions does not count toward it. Last evaluated 2016-10-18.

Conditions:
Breast-ovarian cancer, familial, susceptibility to, 2 (BROVCA2). Also called: BRCA2 Hereditary Breast and Ovarian Cancer. Identifiers: Orphanet 145, MedGen C2675520, MONDO:0012933, OMIM 612555. Disease mechanism: loss of function.

Submissions (2):

Evidence-based Network for the Interpretation of Germline Mutant Alleles (ENIGMA)
Classification: Pathogenic for Breast-ovarian cancer, familial, susceptibility to, 2. Last evaluated: 2016-10-18. Review status: reviewed by expert panel. Criteria: ENIGMA BRCA1/2 Classification Criteria (2015). Collection method: curation. Allele origin: germline.
Comment: Variant allele predicted to encode a truncated non-functional protein.

Consortium of Investigators of Modifiers of BRCA1/2 (CIMBA), c/o University of Cambridge
Classification: Pathogenic for Breast-ovarian cancer, familial, susceptibility to, 2. Last evaluated: 2015-10-02. Review status: criteria provided, single submitter. Criteria: CIMBA Mutation Classification guidelines May 2016. Collection method: clinical testing. Allele origin: germline. Not counted in ClinVar's aggregate classification.

NM_000059.4(BRCA2):c.5208del (p.Asp1737fs)

Gene: BRCA2 (BRCA2 DNA repair associated; plus strand). Cytogenetic location: 13q13.1.
Variant type: Deletion.
Coding change: c.5208del on transcript NM_000059.4 (MANE Select); coding-DNA position 5208, one base deleted (A; older notation c.5208delA).
Protein change: p.Asp1737fs; shifts the reading frame from aspartic acid 1737.
Molecular consequence: frameshift variant.
Genome position (GRCh38, 1-based): chr13:32,339,563, A deleted; the last of 2 consecutive A bases (chr13:32,339,562-32,339,563); deleting either gives the same sequence. VCF-style (leftmost placement, unchanged base first): chr13-32339561-CA-C. GRCh37 (hg19) VCF-style: chr13-32913698-CA-C.
Other names: 5436delA-ter1740; c.5208delA (NM_000059.3).
Identifiers: ClinVar variation 51817 (VCV000051817.7), dbSNP rs397507774, ClinGen allele CA021689.